The following is an entry in ClinVar:

NM_003482.4(KMT2D):c.3765C>G (p.Gly1255=)

Genes: KMT2D (lysine methyltransferase 2D; minus strand), LOC126861520 (CDK7 strongly-dependent group 2 enhancer GRCh37_chr12:49442744-49443943; plus strand). Cytogenetic location: 12q13.12.
Variant type: single nucleotide variant.
Coding change: c.3765C>G on transcript NM_003482.4 (MANE Select); coding-DNA position 3765, C replaced by G.
Protein change: p.Gly1255=; no amino-acid change (glycine 1255 retained).
Molecular consequence: synonymous variant.
Genome position (GRCh38, 1-based): chr12:49,049,823, G>C on the plus strand (C>G on the coding strand, the complement: KMT2D is on the minus strand). VCF-style: chr12-49049823-G-C. GRCh37 (hg19) VCF-style: chr12-49443606-G-C.
Other names: c.3765C>G (NM_003482.3).
Identifiers: ClinVar variation 1617773 (VCV001617773.9), dbSNP rs370363809, ClinGen allele CA6547995.

ClinVar aggregate classification (germline): Likely benign. Review status: criteria provided, multiple submitters, no conflicts (2 of 4 stars). 2 submissions from 2 submitters: Likely benign (2). Last evaluated 2026-07-09.

Conditions:
KMT2D-related disorder. Also called: KMT2D-Related Disorders.
Kabuki syndrome. Also called: NIIKAWA-KUROKI SYNDROME; Kabuki make-up syndrome. Identifiers: Orphanet 2322, MedGen C0796004, MONDO:0016512.

Allele frequency attached by ClinVar (database versions not stated): ExAC 0.00002.
gnomAD v4.1: 75 of 1,613,852 alleles (0.0046%); highest among the groups gnomAD compares: Non-Finnish European, 0.0062%; no homozygotes.

Submissions (2):

PreventionGenetics, part of Exact Sciences
Classification: Likely benign for KMT2D-related condition. Last evaluated: 2026-07-09. Review status: criteria provided, single submitter. Criteria: ACMG Guidelines, 2015. Collection method: clinical testing. Allele origin: germline.
Comment: This variant is classified as likely benign based on ACMG/AMP sequence variant interpretation guidelines (Richards et al. 2015 PMID: 25741868, with internal and published modifications).

Labcorp Genetics (formerly Invitae), Labcorp
Classification: Likely benign for Kabuki syndrome. Last evaluated: 2025-12-20. Review status: criteria provided, single submitter. Criteria: Invitae Variant Classification Sherloc (09022015). Collection method: clinical testing. Allele origin: germline.